The following is an entry in ClinVar:

NM_001267550.2(TTN):c.90642A>T (p.Ala30214=)

Genes: TTN (titin; minus strand), TTN-AS1 (TTN antisense RNA 1; plus strand). Cytogenetic location: 2q31.2.
Variant type: single nucleotide variant.
Coding change: c.90642A>T on transcript NM_001267550.2 (MANE Select); coding-DNA position 90642, A replaced by T.
Protein change: p.Ala30214=; no amino-acid change (alanine 30214 retained).
Molecular consequence: synonymous variant.
Genome position (GRCh38, 1-based): chr2:178,552,258, T>A on the plus strand (A>T on the coding strand, the complement: TTN is on the minus strand). VCF-style: chr2-178552258-T-A. GRCh37 (hg19) VCF-style: chr2-179416985-T-A.
Other names: c.85719A>T, p.Ala28573= (NM_001256850.1); c.63447A>T, p.Ala21149= (NM_003319.4); c.82938A>T, p.Ala27646= (NM_133378.4); c.63822A>T, p.Ala21274= (NM_133432.3); c.64023A>T, p.Ala21341= (NM_133437.4).
Identifiers: ClinVar variation 1095285 (VCV001095285.14), dbSNP rs552314114, ClinGen allele CA1987764.

ClinVar aggregate classification (germline): Likely benign. Review status: criteria provided, multiple submitters, no conflicts (2 of 4 stars). 5 submissions from 5 submitters: Likely benign (5). Last evaluated 2026-03-13.

Conditions:
Cardiovascular phenotype. Identifiers: MedGen CN230736.
Hypertrophic cardiomyopathy 9. Also called: Familial hypertrophic cardiomyopathy 9. Identifiers: MedGen C1861065, MONDO:0013412, OMIM 613765.
Myopathy, myofibrillar, 9, with early respiratory failure (MFM9). Also called: MYOPATHY, PROXIMAL, WITH EARLY RESPIRATORY MUSCLE INVOLVEMENT; Hereditary myopathy with early respiratory failure; EDSTROM MYOPATHY; Myopathy, distal, with early respiratory failure, autosomal dominant. Identifiers: Orphanet 178464, Orphanet 34521, MedGen C1863599, MONDO:0011362, OMIM 603689.
Dilated cardiomyopathy 1G (CMD1G). Identifiers: Orphanet 154, MedGen C1858763, MONDO:0011400, OMIM 604145.
Early-onset myopathy with fatal cardiomyopathy (CMYO5). Also called: Salih Myopathy; CONGENITAL MYOPATHY 5 WITH CARDIOMYOPATHY. Identifiers: Orphanet 289377, MedGen C2673677, MONDO:0012714, OMIM 611705. Disease mechanism: loss of function.
Tibial muscular dystrophy (TMD). Also called: Tibial muscular dystrophy, tardive; Udd Distal Myopathy – Tibial Muscular Dystrophy; UDD MYOPATHY. Identifiers: Orphanet 609, MedGen C1838244, MONDO:0010870, OMIM 600334.
Autosomal recessive limb-girdle muscular dystrophy type 2J (LGMDR10). Also called: Limb-girdle muscular dystrophy, type 2J; MUSCULAR DYSTROPHY, LIMB-GIRDLE, AUTOSOMAL RECESSIVE 10. Identifiers: Orphanet 140922, MedGen C1837342, MONDO:0012127, OMIM 608807.
TTN-related disorder. Also called: TTN-related disorders; TTN-related condition; TTN-related disease.

Allele frequency attached by ClinVar (database versions not stated): gnomAD exomes 0.00001 and 0.00002; 1000 Genomes Project 30x 0.00031; ExAC 0.00002; TOPMed 0.00005; gnomAD 0.00008 and 0.00009; 1000 Genomes Project 0.00020.
gnomAD v4.1: 23 of 1,613,514 alleles (0.0014%); highest among the groups gnomAD compares: African/African-American, 0.029%; no homozygotes.

Submissions (5):

PreventionGenetics, part of Exact Sciences
Classification: Likely benign for TTN-related condition. Last evaluated: 2026-03-13. Review status: criteria provided, single submitter. Criteria: ACMG Guidelines, 2015. Collection method: clinical testing. Allele origin: germline.
Comment: This variant is classified as likely benign based on ACMG/AMP sequence variant interpretation guidelines (Richards et al. 2015 PMID: 25741868, with internal and published modifications).

Labcorp Genetics (formerly Invitae), Labcorp
Classification: Likely benign for Dilated cardiomyopathy 1G; Autosomal recessive limb-girdle muscular dystrophy type 2J. Last evaluated: 2026-01-27. Review status: criteria provided, single submitter. Criteria: Invitae Variant Classification Sherloc (09022015). Collection method: clinical testing. Allele origin: germline.

Molecular Diagnostic Laboratory for Inherited Cardiovascular Disease, Montreal Heart Institute
Classification: Likely benign. Last evaluated: 2025-04-09. Review status: criteria provided, single submitter. Criteria: ACMG Guidelines, 2015. Collection method: clinical testing. Allele origin: germline. Affected: no.

Fulgent Genetics
Classification: Likely benign for Tibial muscular dystrophy; Myopathy, myofibrillar, 9, with early respiratory failure; Dilated cardiomyopathy 1G; Autosomal recessive limb-girdle muscular dystrophy type 2J; Early-onset myopathy with fatal cardiomyopathy; Hypertrophic cardiomyopathy 9. Last evaluated: 2021-09-07. Review status: criteria provided, single submitter. Criteria: ACMG Guidelines, 2015. Collection method: clinical testing. Allele origin: unknown.

Ambry Genetics
Classification: Likely benign for Cardiovascular phenotype. Last evaluated: 2019-09-11. Review status: criteria provided, single submitter. Criteria: Ambry Variant Classification Scheme 2023. Collection method: clinical testing. Allele origin: germline.